The following is an entry in ClinVar:

NM_022455.5(NSD1):c.4472C>T (p.Ser1491Leu)

Gene: NSD1 (nuclear receptor binding SET domain protein 1; plus strand). Cytogenetic location: 5q35.3.
Variant type: single nucleotide variant.
Coding change: c.4472C>T on transcript NM_022455.5 (MANE Select); coding-DNA position 4472, C replaced by T.
Protein change: p.Ser1491Leu; replaces serine 1491 with leucine.
Molecular consequence: missense variant.
Genome position (GRCh38, 1-based): chr5:177,246,771, C>T. VCF-style: chr5-177246771-C-T. GRCh37 (hg19) VCF-style: chr5-176673772-C-T.
Other names: c.3599C>T, p.Ser1200Leu (NM_001365684.2, NM_001409306.1, NM_001409307.1 and 3 more transcripts); c.4472C>T, p.Ser1491Leu (NM_001409301.1, NM_001409302.1, NM_001409303.1); c.4052C>T, p.Ser1351Leu (NM_001409304.1); c.3719C>T, p.Ser1240Leu (NM_001409305.1); short protein forms S1200L, S1351L, S1240L, S1491L.
Identifiers: ClinVar variation 3705868 (VCV003705868.3).

ClinVar aggregate classification (germline): Conflicting classifications of pathogenicity. Review status: criteria provided, conflicting classifications (1 of 4 stars). 2 submissions from 2 submitters: Uncertain significance (1); Likely benign (1). Last evaluated 2025-07-02.

Conditions:
Inborn genetic diseases. Identifiers: MedGen C0950123, MeSH D030342.

gnomAD v4.1: 16 of 1,613,112 alleles (0.00099%); highest among the groups gnomAD compares: East Asian, 0.0022%; no homozygotes.

Submissions (2):

Ambry Genetics
Classification: Likely benign for Inborn genetic diseases. Last evaluated: 2025-07-02. Review status: criteria provided, single submitter. Criteria: Ambry Variant Classification Scheme 2023. Collection method: clinical testing. Allele origin: germline.

Labcorp Genetics (formerly Invitae), Labcorp
Classification: Uncertain significance. Last evaluated: 2023-10-04. Review status: criteria provided, single submitter. Criteria: Invitae Variant Classification Sherloc (09022015). Collection method: clinical testing. Allele origin: germline.
Comment: This sequence change replaces serine, which is neutral and polar, with leucine, which is neutral and non-polar, at codon 1491 of the NSD1 protein (p.Ser1491Leu). This variant is present in population databases (rs374330497, gnomAD 0.005%). This variant has not been reported in the literature in individuals affected with NSD1-related conditions. Algorithms developed to predict the effect of missense changes on protein structure and function output the following: SIFT: "Not Available"; PolyPhen-2: "Benign"; Align-GVGD: "Not Available". The leucine amino acid residue is found in multiple mammalian species, which suggests that this missense change does not adversely affect protein function. In summary, the available evidence is currently insufficient to determine the role of this variant in disease. Therefore, it has been classified as a Variant of Uncertain Significance.